The following is an entry in ClinVar:

ClinVar aggregate classification (germline): Uncertain significance (1 of 4 stars; one submission).

Conditions:
Leukocyte adhesion deficiency type II. Also called: CONGENITAL DISORDER OF GLYCOSYLATION, TYPE IIc; CDG IIc; Congenital disorder of glycosylation type 2C; CDG 2C; Leukocyte adhesion deficiency type 2; Rambam Hasharon syndrome. Identifiers: Orphanet 2968, Orphanet 99843, MedGen C0398739, MONDO:0009953, OMIM 266265.

Submission:

Labcorp Genetics (formerly Invitae), Labcorp
Classification: Uncertain significance for Leukocyte adhesion deficiency type II. Last evaluated: 2023-08-04. Review status: criteria provided, single submitter. Criteria: Invitae Variant Classification Sherloc (09022015). Collection method: clinical testing. Allele origin: germline.
Comment: This sequence change replaces methionine, which is neutral and non-polar, with valine, which is neutral and non-polar, at codon 14 of the SLC35C1 protein (p.Met14Val). This variant is not present in population databases (gnomAD no frequency). This variant has not been reported in the literature in individuals affected with SLC35C1-related conditions. ClinVar contains an entry for this variant (Variation ID: 1053802). An algorithm developed to predict the effect of missense changes on protein structure and function (PolyPhen-2) suggests that this variant is likely to be tolerated. In summary, the available evidence is currently insufficient to determine the role of this variant in disease. Therefore, it has been classified as a Variant of Uncertain Significance.

NM_018389.5(SLC35C1):c.40A>G (p.Met14Val)

Gene: SLC35C1 (solute carrier family 35 member C1; plus strand). Cytogenetic location: 11p11.2.
Variant type: single nucleotide variant.
Coding change: c.40A>G on transcript NM_018389.5 (MANE Select); coding-DNA position 40, A replaced by G.
Protein change: p.Met14Val; replaces methionine 14 with valine.
Molecular consequence: missense variant. On other transcripts: initiator codon variant (1).
Genome position (GRCh38, 1-based): chr11:45,805,841, A>G. VCF-style: chr11-45805841-A-G. GRCh37 (hg19) VCF-style: chr11-45827392-A-G.
Other names: c.1A>G, p.Met1Val (NM_001145265.2, NM_001145266.2); short protein forms M14V, M1V.
Identifiers: ClinVar variation 1053802 (VCV001053802.7), dbSNP rs775175277, ClinGen allele CA380202010.